The following is an entry in ClinVar:

NM_031407.7(HUWE1):c.12982G>A (p.Asp4328Asn)

Gene: HUWE1 (HECT, UBA and WWE domain containing E3 ubiquitin protein ligase 1; minus strand). Cytogenetic location: Xp11.22.
Variant type: single nucleotide variant.
Coding change: c.12982G>A on transcript NM_031407.7 (MANE Select); coding-DNA position 12982, G replaced by A.
Protein change: p.Asp4328Asn; replaces aspartic acid 4328 with asparagine.
Molecular consequence: missense variant.
Genome position (GRCh38, 1-based): chrX:53,534,047, C>T on the plus strand (G>A on the coding strand, the complement: HUWE1 is on the minus strand). VCF-style: chrX-53534047-C-T. GRCh37 (hg19) VCF-style: chrX-53561008-C-T.
Other names: c.12934G>A, p.Asp4312Asn (NM_001441048.1, NM_001441053.1, NM_001441058.1); c.12937G>A, p.Asp4313Asn (NM_001441049.1, NM_001441054.1); c.12958G>A, p.Asp4320Asn (NM_001441050.1, NM_001441055.1); c.12979G>A, p.Asp4327Asn (NM_001441051.1, NM_001441056.1); c.12580G>A, p.Asp4194Asn (NM_001441052.1); c.12982G>A, p.Asp4328Asn (NM_001441057.1); short protein forms D4194N, D4312N, D4313N, D4320N, D4327N, D4328N.
Identifiers: ClinVar variation 4293839 (VCV004293839.1).

ClinVar aggregate classification (germline): Uncertain significance (1 of 4 stars; one submission).

Conditions:
Intellectual developmental disorder, X-linked, syndromic, Turner type. Also called: Intellectual disability, X-linked syndromic, Turner type; X-linked intellectual disability, Turner type. Identifiers: Orphanet 3056, Orphanet 85328, MedGen C2678046, MONDO:0010407, OMIM 309590.

Submission:

3billion
Classification: Uncertain significance for Intellectual developmental disorder, X-linked, syndromic, Turner type. Last evaluated: 2024-06-11. Review status: criteria provided, single submitter. Criteria: ACMG Guidelines, 2015. Collection method: clinical testing. Allele origin: germline. Affected: yes.
Comment: The variant is not observed in the gnomAD v4.0.0 dataset. Predicted Consequence/Location: The variant is located in a mutational hot spot and/or well-established functional domain in which established pathogenic variants have been reported (PMID: 35937685). Damaging effect on gene or gene product predicted by in silico programs is uncertain [REVEL: 0.40 (damaging >=0.6, benign <0.4), 3Cnet: 0.42 (damaging >=0.6, benign <0.15)]. Therefore, this variant is classified as VUS according to the recommendation of ACMG/AMP guideline.

Literature cited by the submitters: PubMed 35937685.